The following is an entry in ClinVar:

NM_001191061.2(SLC25A22):c.235G>A (p.Glu79Lys)

Gene: SLC25A22 (solute carrier family 25 member 22; minus strand). Cytogenetic location: 11p15.5.
Variant type: single nucleotide variant.
Coding change: c.235G>A on transcript NM_001191061.2 (MANE Select); coding-DNA position 235, G replaced by A.
Protein change: p.Glu79Lys; replaces glutamic acid 79 with lysine.
Molecular consequence: missense variant.
Genome position (GRCh38, 1-based): chr11:793,587, C>T on the plus strand (G>A on the coding strand, the complement: SLC25A22 is on the minus strand). VCF-style: chr11-793587-C-T. GRCh37 (hg19) VCF-style: chr11-793587-C-T.
Other names: c.235G>A, p.Glu79Lys (NM_001191060.2, NM_024698.6); short protein forms E79K.
Identifiers: ClinVar variation 530518 (VCV000530518.2), dbSNP rs1215087087, ClinGen allele CA378920985.
Genomic context (GRCh38, chr11:793,587, plus strand): 5'-ACCCGTCCTTAGAGAGCTGATGTCGGAAGAAGTCGTTGGCTGCCAGCTTGATGGCCTTCT[C>T]GGGGGTGACGAGGGTCAAGTTCACAGCAGCTCCTGTGGGGCAGGGGGTCAGCTGGGGGGA-3'
Protein context (NP_001177990.1, residues 69-89): AAVNLTLVTP[Glu79Lys]KAIKLAANDF

ClinVar aggregate classification (germline): Uncertain significance (1 of 4 stars; one submission).

Conditions:
Developmental and epileptic encephalopathy. Identifiers: MedGen C5779964, MONDO:0100620.

Allele frequency attached by ClinVar (database versions not stated): gnomAD exomes below 0.00001.

Submission:

Labcorp Genetics (formerly Invitae), Labcorp
Classification: Uncertain significance for Early-infantile DEE. Last evaluated: 2017-10-30. Review status: criteria provided, single submitter. Criteria: Invitae Variant Classification Sherloc (09022015). Collection method: clinical testing. Allele origin: germline.
Comment: This sequence change replaces glutamic acid with lysine at codon 79 of the SLC25A22 protein (p.Glu79Lys). The glutamic acid residue is highly conserved and there is a small physicochemical difference between glutamic acid and lysine. This variant is not present in population databases (ExAC no frequency). This variant has been reported in an individual with developmental delay, seizures and hypotonia (PMID: 28255779). Algorithms developed to predict the effect of missense changes on protein structure and function (SIFT, PolyPhen-2, Align-GVGD) all suggest that this variant is likely to be disruptive, but these predictions have not been confirmed by published functional studies and their clinical significance is uncertain. In summary, the available evidence is currently insufficient to determine the role of this variant in disease. Therefore, it has been classified as a Variant of Uncertain Significance.

Literature cited by the submitters: PubMed 28255779.